The following is an entry in ClinVar:

ClinVar aggregate classification (germline): Uncertain significance (1 of 4 stars; one submission).

Allele frequency attached by ClinVar (database versions not stated): gnomAD 0.00001; gnomAD exomes 0.00001; TOPMed 0.00002; 1000 Genomes Project 30x 0.00016; 1000 Genomes Project 0.00020.
gnomAD v4.1: 21 of 1,613,942 alleles (0.0013%); highest among the groups gnomAD compares: East Asian, 0.0022%; no homozygotes.

Submission:

Labcorp Genetics (formerly Invitae), Labcorp
Classification: Uncertain significance. Last evaluated: 2024-02-24. Review status: criteria provided, single submitter. Criteria: Invitae Variant Classification Sherloc (09022015). Collection method: clinical testing. Allele origin: germline.
Comment: This sequence change replaces aspartic acid, which is acidic and polar, with asparagine, which is neutral and polar, at codon 419 of the LRP5 protein (p.Asp419Asn). This variant is present in population databases (rs200789047, gnomAD 0.002%). This variant has not been reported in the literature in individuals affected with LRP5-related conditions. ClinVar contains an entry for this variant (Variation ID: 1933330). Advanced modeling of protein sequence and biophysical properties (such as structural, functional, and spatial information, amino acid conservation, physicochemical variation, residue mobility, and thermodynamic stability) has been performed at Invitae for this missense variant, however the output from this modeling did not meet the statistical confidence thresholds required to predict the impact of this variant on LRP5 protein function. In summary, the available evidence is currently insufficient to determine the role of this variant in disease. Therefore, it has been classified as a Variant of Uncertain Significance.

NM_002335.4(LRP5):c.1255G>A (p.Asp419Asn)

Gene: LRP5 (LDL receptor related protein 5; plus strand). Cytogenetic location: 11q13.2.
Variant type: single nucleotide variant.
Coding change: c.1255G>A on transcript NM_002335.4 (MANE Select); coding-DNA position 1255, G replaced by A.
Protein change: p.Asp419Asn; replaces aspartic acid 419 with asparagine.
Molecular consequence: missense variant. On other transcripts: 5 prime UTR variant (1).
Genome position (GRCh38, 1-based): chr11:68,386,555, G>A. VCF-style: chr11-68386555-G-A. GRCh37 (hg19) VCF-style: chr11-68154023-G-A.
Other names: c.-511G>A (NM_001291902.2); short protein forms D419N.
Identifiers: ClinVar variation 1933330 (VCV001933330.5), dbSNP rs200789047, ClinGen allele CA224252799.